The following is an entry in ClinVar:

ClinVar aggregate classification (germline): Uncertain significance. Review status: criteria provided, single submitter (1 of 4 stars). 2 submissions from 2 submitters: Uncertain significance (1). 1 of the submissions does not count toward it. Last evaluated 2021-08-24.

Conditions:
GNE myopathy (NM). Also called: INCLUSION BODY MYOPATHY, HEREDITARY, AUTOSOMAL RECESSIVE; INCLUSION BODY MYOPATHY 2, AUTOSOMAL RECESSIVE; IBM 2; Inclusion body myopathy autosomal recessive; Inclusion body myopathy quadriceps sparing; MYOPATHY, DISTAL, WITH OR WITHOUT RIMMED VACUOLES. Identifiers: Orphanet 602, MedGen C1853926, MONDO:0011603, OMIM 605820.
Sialuria. Also called: SIALURIA, FRENCH TYPE; Sialic Acid Storage Disease. Identifiers: Orphanet 3166, MedGen C0342853, MONDO:0010028, OMIM 269921.

Allele frequency attached by ClinVar (database versions not stated): gnomAD exomes below 0.00001; TOPMed below 0.00001; ExAC 0.00001; gnomAD 0.00001; ESP Exome Variant Server 0.00008.
gnomAD v4.1: 1 of 1,611,070 alleles (0.000062%); highest among the groups gnomAD compares: Non-Finnish European, 0.000085%; no homozygotes.

Submissions (2):

Labcorp Genetics (formerly Invitae), Labcorp
Classification: Uncertain significance for Sialuria; GNE myopathy. Last evaluated: 2021-08-24. Review status: criteria provided, single submitter. Criteria: Invitae Variant Classification Sherloc (09022015). Collection method: clinical testing. Allele origin: germline.
Comment: This sequence change replaces phenylalanine with serine at codon 468 of the GNE protein (p.Phe468Ser). The phenylalanine residue is moderately conserved and there is a large physicochemical difference between phenylalanine and serine. This variant is present in population databases (rs370478702, ExAC 0.001%). This variant has not been reported in the literature in individuals affected with GNE-related conditions. Algorithms developed to predict the effect of missense changes on protein structure and function (SIFT, PolyPhen-2, Align-GVGD) all suggest that this variant is likely to be tolerated. In summary, the available evidence is currently insufficient to determine the role of this variant in disease. Therefore, it has been classified as a Variant of Uncertain Significance.

Natera, Inc.
Classification: Uncertain significance for Nonaka myopathy. Last evaluated: 2021-03-03. Review status: no assertion criteria provided. Collection method: clinical testing. Allele origin: germline. Not counted in ClinVar's aggregate classification.

NM_005476.7(GNE):c.1310T>C (p.Phe437Ser)

Gene: GNE (glucosamine (UDP-N-acetyl)-2-epimerase/N-acetylmannosamine kinase; minus strand). Cytogenetic location: 9p13.3.
Variant type: single nucleotide variant.
Coding change: c.1310T>C on transcript NM_005476.7 (MANE Select); coding-DNA position 1310, T replaced by C.
Protein change: p.Phe437Ser; replaces phenylalanine 437 with serine.
Molecular consequence: missense variant.
Genome position (GRCh38, 1-based): chr9:36,223,474, A>G on the plus strand (T>C on the coding strand, the complement: GNE is on the minus strand). VCF-style: chr9-36223474-A-G. GRCh37 (hg19) VCF-style: chr9-36223471-A-G.
Other names: c.1403T>C, p.Phe468Ser (NM_001128227.3); c.1310T>C, p.Phe437Ser (NM_001190383.3); c.980T>C, p.Phe327Ser (NM_001190384.3); c.1133T>C, p.Phe378Ser (NM_001190388.2, NM_001374798.1); c.1157T>C, p.Phe386Ser (NM_001374797.1); short protein forms F327S, F378S, F386S, F437S, F468S.
Identifiers: ClinVar variation 1058105 (VCV001058105.7), dbSNP rs370478702, ClinGen allele CA5056504.
Genomic context (GRCh38, chr9:36,223,474, plus strand): 5'-GCAGCTTCCACACACATCTGTAGGATTAAATTAATCCTCTCTTCATAGGTTTTAGGATTG[A>G]ACTGAGTATACTTCTTAACTATTTCACCCTAAAAGAGAAAACAACAAGTTCCGTCTTACT-3'
Protein context (NP_005467.1, residues 427-447): KGEIVKKYTQ[Phe437Ser]NPKTYEERIN